The following is an entry in ClinVar:

NM_000875.5(IGF1R):c.3049G>T (p.Val1017Phe)

Gene: IGF1R (insulin like growth factor 1 receptor; plus strand). Cytogenetic location: 15q26.3.
Variant type: single nucleotide variant.
Coding change: c.3049G>T on transcript NM_000875.5 (MANE Select); coding-DNA position 3049, G replaced by T.
Protein change: p.Val1017Phe; replaces valine 1017 with phenylalanine.
Molecular consequence: missense variant.
Genome position (GRCh38, 1-based): chr15:98,934,916, G>T. VCF-style: chr15-98934916-G-T. GRCh37 (hg19) VCF-style: chr15-99478145-G-T.
Other names: c.3046G>T, p.Val1016Phe (NM_001291858.2); short protein forms V1017F, V1016F.
Identifiers: ClinVar variation 2858904 (VCV002858904.3), dbSNP rs770004826, ClinGen allele CA393657901.
Genomic context (GRCh38, chr15:98,934,916, plus strand): 5'-GAGAAGATCACCATGAGCCGGGAACTTGGGCAGGGGTCGTTTGGGATGGTCTATGAAGGA[G>T]TTGCCAAGGGTGTGGTGAAAGATGAACCTGAAACCAGAGTGGCCATTAAAACAGTGAACG-3'
Protein context (NP_000866.1, residues 1007-1027): QGSFGMVYEG[Val1017Phe]AKGVVKDEPE

ClinVar aggregate classification (germline): Uncertain significance (1 of 4 stars; one submission).

Submission:

Labcorp Genetics (formerly Invitae), Labcorp
Classification: Uncertain significance. Last evaluated: 2023-08-16. Review status: criteria provided, single submitter. Criteria: Invitae Variant Classification Sherloc (09022015). Collection method: clinical testing. Allele origin: germline.
Comment: This variant is not present in population databases (gnomAD no frequency). In summary, the available evidence is currently insufficient to determine the role of this variant in disease. Therefore, it has been classified as a Variant of Uncertain Significance. Advanced modeling of protein sequence and biophysical properties (such as structural, functional, and spatial information, amino acid conservation, physicochemical variation, residue mobility, and thermodynamic stability) performed at Invitae indicates that this missense variant is not expected to disrupt IGF1R protein function. This variant has not been reported in the literature in individuals affected with IGF1R-related conditions. This sequence change replaces valine, which is neutral and non-polar, with phenylalanine, which is neutral and non-polar, at codon 1017 of the IGF1R protein (p.Val1017Phe).